The following is an entry in ClinVar:

ClinVar aggregate classification (germline): Uncertain significance. Review status: criteria provided, multiple submitters, no conflicts (2 of 4 stars). 3 submissions from 3 submitters: Uncertain significance (2). 1 of the submissions does not count toward it. Last evaluated 2025-08-10.

Conditions:
SUCO-related disorder. Also called: SUCO-related condition.

Allele frequency attached by ClinVar (database versions not stated): TOPMed below 0.00001; ExAC 0.00001.
gnomAD v4.1: 10 of 1,613,910 alleles (0.00062%); highest among the groups gnomAD compares: Non-Finnish European, 0.00068%; no homozygotes.

Submissions (3):

Ambry Genetics
Classification: Uncertain significance. Last evaluated: 2025-08-10. Review status: criteria provided, single submitter. Criteria: Ambry Variant Classification Scheme 2023. Collection method: clinical testing. Allele origin: germline.

Labcorp Genetics (formerly Invitae), Labcorp
Classification: Uncertain significance. Last evaluated: 2022-07-25. Review status: criteria provided, single submitter. Criteria: Invitae Variant Classification Sherloc (09022015). Collection method: clinical testing. Allele origin: germline.
Comment: This sequence change replaces threonine, which is neutral and polar, with isoleucine, which is neutral and non-polar, at codon 848 of the SUCO protein (p.Thr848Ile). This variant is present in population databases (rs770422299, gnomAD 0.003%). This variant has not been reported in the literature in individuals affected with SUCO-related conditions. Algorithms developed to predict the effect of missense changes on protein structure and function output the following: SIFT: "Tolerated"; PolyPhen-2: "Benign"; Align-GVGD: "Class C0". The isoleucine amino acid residue is found in multiple mammalian species, which suggests that this missense change does not adversely affect protein function. In summary, the available evidence is currently insufficient to determine the role of this variant in disease. Therefore, it has been classified as a Variant of Uncertain Significance.

PreventionGenetics, part of Exact Sciences
Classification: Uncertain significance for SUCO-related condition. Last evaluated: 2024-04-11. Review status: no assertion criteria provided. Collection method: clinical testing. Allele origin: germline. Not counted in ClinVar's aggregate classification.
Comment: The SUCO c.2996C>T variant is predicted to result in the amino acid substitution p.Thr999Ile. To our knowledge, this variant has not been reported in the literature. This variant is reported in 0.0018% of alleles in individuals of European (Non-Finnish) descent in gnomAD. At this time, the clinical significance of this variant is uncertain due to the absence of conclusive functional and genetic evidence.

NM_014283.5(SUCO):c.2543C>T (p.Thr848Ile)

Gene: SUCO (SUN domain containing ossification factor; plus strand). Cytogenetic location: 1q24.3.
Variant type: single nucleotide variant.
Coding change: c.2543C>T on transcript NM_014283.5 (MANE Select); coding-DNA position 2543, C replaced by T.
Protein change: p.Thr848Ile; replaces threonine 848 with isoleucine.
Molecular consequence: missense variant. On other transcripts: intron variant (1).
Genome position (GRCh38, 1-based): chr1:172,589,644, C>T. VCF-style: chr1-172589644-C-T. GRCh37 (hg19) VCF-style: chr1-172558784-C-T.
Other names: c.854C>T, p.Thr285Ile (NM_001282751.2); c.2996C>T, p.Thr999Ile (NM_016227.4); c.1712+720C>T (NM_001282750.2); c.2996C>T (NM_016227.3); short protein forms T285I, T999I, T848I.
Identifiers: ClinVar variation 2100132 (VCV002100132.7), dbSNP rs770422299, ClinGen allele CA1247101.